The following is an entry in ClinVar:

ClinVar aggregate classification (germline): Uncertain significance (1 of 4 stars; one submission).

Conditions:
GNE myopathy (NM). Also called: IBM 2; Inclusion body myopathy autosomal recessive; Inclusion body myopathy quadriceps sparing; MYOPATHY, DISTAL, WITH OR WITHOUT RIMMED VACUOLES; NONAKA DISTAL MYOPATHY; INCLUSION BODY MYOPATHY, HEREDITARY, AUTOSOMAL RECESSIVE. Identifiers: Orphanet 602, MedGen C1853926, MONDO:0011603, OMIM 605820.

Allele frequency attached by ClinVar (database versions not stated): TOPMed 0.00001.

Submission:

Diagnostics Services (NGS), CSIR - Centre For Cellular And Molecular Biology
Classification: Uncertain significance for GNE myopathy. Last evaluated: 2023-02-02. Review status: criteria provided, single submitter. Criteria: ACMG Guidelines, 2015. Collection method: clinical testing. Allele origin: unknown. Affected: yes. Observed: 1 variant allele, 1 heterozygote.
Comment: The c.1609T>C variant is not present in publicly available population databases like 1000 Genomes, EVS, ExAC, gnomAD, Indian Exome Database or our in-house exome database. This variant has neither been published in literature nor reported to clinical databases like ClinVar, Human Genome Mutation Database (HGMD) or OMIM, in any affected individuals. In-silico pathogenicity prediction programs like PolyPhen-2, MutationTaster2, CADD etc predicted this variant to be likely deleterious. The variant is located in a mutational hotspot region of the gene.

NM_005476.7(GNE):c.1609T>C (p.Phe537Leu)

Gene: GNE (glucosamine (UDP-N-acetyl)-2-epimerase/N-acetylmannosamine kinase; minus strand). Cytogenetic location: 9p13.3.
Variant type: single nucleotide variant.
Coding change: c.1609T>C on transcript NM_005476.7 (MANE Select); coding-DNA position 1609, T replaced by C.
Protein change: p.Phe537Leu; replaces phenylalanine 537 with leucine.
Molecular consequence: missense variant. On other transcripts: intron variant (1).
Genome position (GRCh38, 1-based): chr9:36,222,801, A>G on the plus strand (T>C on the coding strand, the complement: GNE is on the minus strand). VCF-style: chr9-36222801-A-G. GRCh37 (hg19) VCF-style: chr9-36222798-A-G.
Other names: c.1702T>C, p.Phe568Leu (NM_001128227.3); c.1279T>C, p.Phe427Leu (NM_001190384.3); c.1432T>C, p.Phe478Leu (NM_001190388.2, NM_001374798.1); c.1456T>C, p.Phe486Leu (NM_001374797.1); c.1411+572T>C (NM_001190383.3); short protein forms F427L, F478L, F486L, F537L, F568L.
Identifiers: ClinVar variation 2429378 (VCV002429378.3), dbSNP rs1447255482, ClinGen allele CA373426107.